The following is an entry in ClinVar:

NM_003742.4(ABCB11):c.3892G>A (p.Gly1298Arg)

Gene: ABCB11 (ATP binding cassette subfamily B member 11; minus strand). Cytogenetic location: 2q31.1.
Variant type: single nucleotide variant.
Coding change: c.3892G>A on transcript NM_003742.4 (MANE Select); coding-DNA position 3892, G replaced by A.
Protein change: p.Gly1298Arg; replaces glycine 1298 with arginine.
Molecular consequence: missense variant.
Genome position (GRCh38, 1-based): chr2:168,923,696, C>T on the plus strand (G>A on the coding strand, the complement: ABCB11 is on the minus strand). VCF-style: chr2-168923696-C-T. GRCh37 (hg19) VCF-style: chr2-169780206-C-T.
Other names: short protein forms G1298R.
Identifiers: ClinVar variation 4846012 (VCV004846012.1).

ClinVar aggregate classification (germline): Likely pathogenic (1 of 4 stars; one submission).

Conditions:
Familial intrahepatic cholestasis. Identifiers: Orphanet 284385, MedGen CN296401, MONDO:0017290.

Submission:

Genomenon, Inc
Classification: Likely pathogenic for Familial intrahepatic cholestasis. Last evaluated: 2026-04-14. Review status: criteria provided, single submitter. Criteria: Genomenon Sequence Variant Interpretation Standards - Updated. Collection method: curation. Allele origin: germline. Affected: yes.
Comment: ABCB11 p.Gly1298Arg (c.3892G>A) is a missense variant that changes the amino acid at residue 1298 from Glycine to Arginine. This variant has been observed in at least one proband with an ABCB11-related disorder (PMID:35780807;29284646). The variant was found to segregate with disease in at least one affected family (PMID:29284646). It is absent or not present at a significant frequency in gnomAD. In silico models predict that this variant is possibly or probably damaging. In conclusion, we classify ABCB11 p.Gly1298Arg (c.3892G>A) as a likely pathogenic variant.

Literature cited by the submitters: PubMed 35780807; PubMed 29284646.